The following is an entry in ClinVar:

ClinVar aggregate classification (germline): Uncertain significance. Review status: criteria provided, multiple submitters, no conflicts (2 of 4 stars). 2 submissions from 2 submitters: Uncertain significance (2). Last evaluated 2025-03-30.

Conditions:
Cardiovascular phenotype. Identifiers: MedGen CN230736.
Long QT syndrome (LQTS). Identifiers: MedGen C0023976, MeSH D008133, MONDO:0002442. Disease mechanism: loss of function. Inheritance: Various modes of inheritance.

Allele frequency attached by ClinVar (database versions not stated): ExAC 0.00001; gnomAD exomes 0.00001.
gnomAD v4.1: 4 of 1,614,046 alleles (0.00025%); highest among the groups gnomAD compares: Non-Finnish European, 0.00034%; no homozygotes.

Submissions (2):

Labcorp Genetics (formerly Invitae), Labcorp
Classification: Uncertain significance for Long QT syndrome. Last evaluated: 2025-03-30. Review status: criteria provided, single submitter. Criteria: Invitae Variant Classification Sherloc (09022015). Collection method: clinical testing. Allele origin: germline.
Comment: This sequence change replaces methionine, which is neutral and non-polar, with valine, which is neutral and non-polar, at codon 2528 of the ANK2 protein (p.Met2528Val). This variant is present in population databases (rs781543236, gnomAD 0.0009%). This variant has not been reported in the literature in individuals affected with ANK2-related conditions. ClinVar contains an entry for this variant (Variation ID: 2777742). An algorithm developed to predict the effect of missense changes on protein structure and function outputs the following: PolyPhen-2: "Benign". The valine amino acid residue is found in multiple mammalian species, which suggests that this missense change does not adversely affect protein function. In summary, the available evidence is currently insufficient to determine the role of this variant in disease. Therefore, it has been classified as a Variant of Uncertain Significance.

Ambry Genetics
Classification: Uncertain significance for Cardiovascular phenotype. Last evaluated: 2024-03-27. Review status: criteria provided, single submitter. Criteria: Ambry Variant Classification Scheme 2023. Collection method: clinical testing. Allele origin: germline.
Comment: The p.M2528V variant (also known as c.7582A>G), located in coding exon 38 of the ANK2 gene, results from an A to G substitution at nucleotide position 7582. The methionine at codon 2528 is replaced by valine, an amino acid with highly similar properties. This amino acid position is conserved. In addition, this alteration is predicted to be tolerated by in silico analysis. Based on the available evidence, the clinical significance of this alteration remains unclear.

NM_001148.6(ANK2):c.7582A>G (p.Met2528Val)

Genes: ANK2 (ankyrin 2; plus strand), LOC126807137 (CDK7 strongly-dependent group 2 enhancer GRCh37_chr4:114276560-114277759; plus strand). Cytogenetic location: 4q26.
Variant type: single nucleotide variant.
Coding change: c.7582A>G on transcript NM_001148.6 (MANE Select); coding-DNA position 7582, A replaced by G.
Protein change: p.Met2528Val; replaces methionine 2528 with valine.
Molecular consequence: missense variant. On other transcripts: intron variant (68).
Genome position (GRCh38, 1-based): chr4:113,356,200, A>G. VCF-style: chr4-113356200-A-G. GRCh37 (hg19) VCF-style: chr4-114277356-A-G.
Other names: c.4214-4623A>G (NM_001354269.3); c.4292-4623A>G (NM_001386187.2); c.4253-4623A>G (NM_001386147.1); c.4271-4623A>G (NM_001386160.1); c.4376-4623A>G (NM_001354254.2); c.4397-4623A>G (NM_001354239.2, NM_001354252.2); c.4298-4623A>G (NM_001354272.2); c.4361-4623A>G (NM_001354244.2, NM_001354256.2, NM_001386161.1); and 35 more; short protein forms M1328V, M2575V, M2450V, M2528V, M2567V.
Identifiers: ClinVar variation 2777742 (VCV002777742.4), dbSNP rs781543236, ClinGen allele CA3051621.